The following is an entry in ClinVar:

ClinVar aggregate classification (germline): Uncertain significance (1 of 4 stars; one submission).

gnomAD v4.1: 8 of 1,598,396 alleles (0.0005%); highest among the groups gnomAD compares: South Asian, 0.0011%; no homozygotes.

Submission:

Ambry Genetics
Classification: Uncertain significance. Last evaluated: 2025-04-13. Review status: criteria provided, single submitter. Criteria: Ambry Variant Classification Scheme 2023. Collection method: clinical testing. Allele origin: germline.
Comment: The p.D1236E variant (also known as c.3708C>G), located in coding exon 16 of the WNK2 gene, results from a C to G substitution at nucleotide position 3708. The aspartic acid at codon 1236 is replaced by glutamic acid, an amino acid with highly similar properties. This amino acid position is conserved. In addition, this alteration is predicted to be tolerated by in silico analysis. Based on the available evidence, the clinical significance of this variant remains unclear.

NM_006648.4(WNK2):c.3708C>G (p.Asp1236Glu)

Gene: WNK2 (WNK lysine deficient protein kinase 2; plus strand). Cytogenetic location: 9q22.31.
Variant type: single nucleotide variant.
Coding change: c.3708C>G on transcript NM_006648.4 (MANE Select); coding-DNA position 3708, C replaced by G.
Protein change: p.Asp1236Glu; replaces aspartic acid 1236 with glutamic acid.
Molecular consequence: missense variant.
Genome position (GRCh38, 1-based): chr9:93,267,757, C>G. VCF-style: chr9-93267757-C-G. GRCh37 (hg19) VCF-style: chr9-96030039-C-G.
Other names: c.3708C>G, p.Asp1236Glu (NM_001282394.3); short protein forms D1236E.
Identifiers: ClinVar variation 3981873 (VCV003981873.1).
Genomic context (GRCh38, chr9:93,267,757, plus strand): 5'-TGGTCTTGGCCTTGCAGCTGGTCCTCACTGGCAGTATGTCCCTTTGCAGGTGGAGCATGA[C>G]TTTATCCTGCAGGCCGAGCGGGAAACGTTCATCGAGCAGATGAAGGATGTCATGGACAAG-3'
Protein context (NP_006639.3, residues 1226-1246): DEIATYMVEH[Asp1236Glu]FILQAERETF